The following is an entry in ClinVar:

ClinVar aggregate classification (germline): Uncertain significance (1 of 4 stars; one submission).

Conditions:
ATP8B1-related disorder. Also called: ATP8B1-related disorders; ATP8B1-related condition.

gnomAD v4.1: 11 of 1,614,030 alleles (0.00068%); highest among the groups gnomAD compares: Non-Finnish European, 0.00093%; no homozygotes.

Submission:

PreventionGenetics, part of Exact Sciences
Classification: Uncertain significance for ATP8B1-related condition. Last evaluated: 2026-06-28. Review status: criteria provided, single submitter. Criteria: ACMG Guidelines, 2015. Collection method: clinical testing. Allele origin: germline.
Comment: The ATP8B1 c.1273A>G variant is predicted to result in the amino acid substitution p.Met425Val. To our knowledge, this variant has not been reported in the literature. This variant is reported in 0.0018% of alleles in individuals of European (Non-Finnish) descent in gnomAD. At this time, the clinical significance of this variant is uncertain due to the absence of conclusive functional and genetic evidence.

NM_001374385.1(ATP8B1):c.1273A>G (p.Met425Val)

Gene: ATP8B1 (ATPase phospholipid transporting 8B1; minus strand). Cytogenetic location: 18q21.31.
Variant type: single nucleotide variant.
Coding change: c.1273A>G on transcript NM_001374385.1 (MANE Select); coding-DNA position 1273, A replaced by G.
Protein change: p.Met425Val; replaces methionine 425 with valine.
Molecular consequence: missense variant.
Genome position (GRCh38, 1-based): chr18:57,688,455, T>C on the plus strand (A>G on the coding strand, the complement: ATP8B1 is on the minus strand). VCF-style: chr18-57688455-T-C. GRCh37 (hg19) VCF-style: chr18-55355687-T-C.
Other names: c.1123A>G, p.Met375Val (NM_001374386.1); c.1273A>G, p.Met425Val (NM_005603.6); short protein forms M375V, M425V.
Identifiers: ClinVar variation 4984365 (VCV004984365.1).